The following is an entry in ClinVar:

NM_001360016.2(G6PD):c.[311G>A;376A>G]

Variant type: Haplotype.
Identifiers: ClinVar variation 1722693 (VCV001722693.2).

ClinVar aggregate classification (germline): Uncertain significance (1 of 4 stars; one submission).

Conditions:
Anemia, nonspherocytic hemolytic, due to G6PD deficiency (CNSHA1). Also called: Hemolytic anemia due to G6PD deficiency; Favism, susceptibility to; Class I glucose-6-phosphate dehydrogenase deficiency; ANEMIA, CONGENITAL, NONSPHEROCYTIC HEMOLYTIC, 1. Identifiers: Orphanet 466026, MedGen C2720289, MONDO:0010480, OMIM 300908.

Submission:

Dunham Lab, University of Washington
Classification: Uncertain significance for Anemia, nonspherocytic hemolytic, due to G6PD deficiency. Last evaluated: 2022-08-12. Review status: criteria provided, single submitter. Criteria: Bayesian ACMG Guidelines, 2018. Collection method: curation. Allele origin: unknown. Affected: yes.
Comment: Decreased activity in red blood cells and when expressed in E. coli (7%) (PS3). Post_P 0.812 (odds of pathogenicity 38.9, Prior_P 0.1).

Literature cited by the submitters: PubMed 18452027; PubMed 32387609.